The following is an entry in ClinVar:

ClinVar aggregate classification (germline): Pathogenic (1 of 4 stars; one submission).

Conditions:
Succinate-semialdehyde dehydrogenase deficiency (SSADHD). Also called: Succinic Semialdehyde Dehydrogenase Deficiency; 4-HYDROXYBUTYRIC ACIDURIA; GABA METABOLIC DEFECT; SSADH DEFICIENCY. Identifiers: Orphanet 22, MedGen C0268631, MONDO:0010083, OMIM 271980.

Submission:

Labcorp Genetics (formerly Invitae), Labcorp
Classification: Pathogenic for Succinate-semialdehyde dehydrogenase deficiency. Last evaluated: 2024-09-19. Review status: criteria provided, single submitter. Criteria: Invitae Variant Classification Sherloc (09022015). Collection method: clinical testing. Allele origin: germline.
Comment: This sequence change creates a premature translational stop signal (p.Lys126Glyfs*4) in the ALDH5A1 gene. It is expected to result in an absent or disrupted protein product. Loss-of-function variants in ALDH5A1 are known to be pathogenic (PMID: 14635103). This variant is not present in population databases (gnomAD no frequency). This premature translational stop signal has been observed in individual(s) with succinic semialdehyde dehydrogenase deficiency (PMID: 28468868). For these reasons, this variant has been classified as Pathogenic.

Literature cited by the submitters: PubMed 14635103; PubMed 28468868.

NM_001080.3(ALDH5A1):c.374_375insTGGTACAATTTAATGATAC (p.Arg125_Lys126insGlyThrIleTer)

Gene: ALDH5A1 (aldehyde dehydrogenase 5 family member A1; plus strand). Cytogenetic location: 6p22.3.
Variant type: Insertion.
Coding change: c.374_375insTGGTACAATTTAATGATAC on transcript NM_001080.3 (MANE Select); coding-DNA positions 374 to 375, TGGTACAATTTAATGATAC inserted.
Protein change: p.Arg125_Lys126insGlyThrIleTer.
Molecular consequence: nonsense, inframe insertion.
Genome position: GRCh38 VCF-style: chr6-24502542-G-GTGGTACAATTTAATGATAC. GRCh37 (hg19) VCF-style: chr6-24502770-G-GTGGTACAATTTAATGATAC.
Other names: c.374_375insTGGTACAATTTAATGATAC, p.Arg125_Lys126insGlyThrIleTer (NM_001368954.1, NM_170740.1).
Identifiers: ClinVar variation 2878027 (VCV002878027.3), dbSNP rs1561869239, ClinGen allele CA2739272849.